The following is an entry in ClinVar:

NM_002693.3(POLG):c.1052G>C (p.Ser351Thr)

Genes: POLG (DNA polymerase gamma, catalytic subunit; minus strand), POLGARF (POLG alternative reading frame; minus strand). Cytogenetic location: 15q26.1.
Variant type: single nucleotide variant.
Coding change: c.1052G>C on transcript NM_002693.3 (MANE Select); coding-DNA position 1052, G replaced by C.
Protein change: p.Ser351Thr; replaces serine 351 with threonine.
Molecular consequence: missense variant.
Genome position (GRCh38, 1-based): chr15:89,328,803, C>G on the plus strand (G>C on the coding strand, the complement: POLG is on the minus strand). VCF-style: chr15-89328803-C-G. GRCh37 (hg19) VCF-style: chr15-89872034-C-G.
Other names: c.1052G>C, p.Ser351Thr (NM_001126131.2); short protein forms S351T.
Identifiers: ClinVar variation 1206895 (VCV001206895.3), dbSNP rs2152067988, ClinGen allele CA393765111.

ClinVar aggregate classification (germline): Uncertain significance (1 of 4 stars; one submission).

gnomAD v4.1: 1 of 1,614,136 alleles (0.000062%); highest among the groups gnomAD compares: Non-Finnish European, 0.000085%; no homozygotes.

Submission:

GeneDx
Classification: Uncertain significance. Last evaluated: 2020-02-07. Review status: criteria provided, single submitter. Criteria: GeneDx Variant Classification Process June 2021. Collection method: clinical testing. Allele origin: germline. Affected: yes.
Comment: Has not been previously published as pathogenic or benign to our knowledge; Not observed in large population cohorts (Lek et al., 2016); In silico analysis supports that this missense variant does not alter protein structure/function